The following is an entry in ClinVar:

ClinVar aggregate classification (germline): Uncertain significance (1 of 4 stars; one submission).

Submission:

Ambry Genetics
Classification: Uncertain significance. Last evaluated: 2024-12-22. Review status: criteria provided, single submitter. Criteria: Ambry Variant Classification Scheme 2023. Collection method: clinical testing. Allele origin: germline.
Comment: The p.L632Q variant (also known as c.1895T>A), located in coding exon 13 of the GEN1 gene, results from a T to A substitution at nucleotide position 1895. The leucine at codon 632 is replaced by glutamine, an amino acid with dissimilar properties. This amino acid position is conserved. In addition, this alteration is predicted to be tolerated by in silico analysis. Based on the available evidence, the clinical significance of this variant remains unclear.

NM_001130009.3(GEN1):c.1895T>A (p.Leu632Gln)

Gene: GEN1 (GEN1 Holliday junction 5' flap endonuclease; plus strand). Cytogenetic location: 2p24.2.
Variant type: single nucleotide variant.
Coding change: c.1895T>A on transcript NM_001130009.3 (MANE Select); coding-DNA position 1895, T replaced by A.
Protein change: p.Leu632Gln; replaces leucine 632 with glutamine.
Molecular consequence: missense variant.
Genome position (GRCh38, 1-based): chr2:17,781,107, T>A. VCF-style: chr2-17781107-T-A. GRCh37 (hg19) VCF-style: chr2-17962374-T-A.
Other names: c.1895T>A, p.Leu632Gln (NM_182625.5); short protein forms L632Q.
Identifiers: ClinVar variation 3853454 (VCV003853454.1).